The following is an entry in ClinVar:

ClinVar aggregate classification (germline): Uncertain significance (1 of 4 stars; one submission).

Allele frequency attached by ClinVar (database versions not stated): gnomAD exomes below 0.00001.
gnomAD v4.1: 1 of 1,570,980 alleles (0.000064%); highest among the groups gnomAD compares: Middle Eastern, 0.017%; no homozygotes.

Submission:

Labcorp Genetics (formerly Invitae), Labcorp
Classification: Uncertain significance. Last evaluated: 2022-04-01. Review status: criteria provided, single submitter. Criteria: Invitae Variant Classification Sherloc (09022015). Collection method: clinical testing. Allele origin: germline.
Comment: This sequence change replaces alanine, which is neutral and non-polar, with threonine, which is neutral and polar, at codon 282 of the DOCK6 protein (p.Ala282Thr). This variant is not present in population databases (gnomAD no frequency). In summary, the available evidence is currently insufficient to determine the role of this variant in disease. Therefore, it has been classified as a Variant of Uncertain Significance. Algorithms developed to predict the effect of missense changes on protein structure and function are either unavailable or do not agree on the potential impact of this missense change (SIFT: "Deleterious"; PolyPhen-2: "Probably Damaging"; Align-GVGD: "Class C0"). This variant has not been reported in the literature in individuals affected with DOCK6-related conditions.

NM_020812.4(DOCK6):c.844G>A (p.Ala282Thr)

Gene: DOCK6 (dedicator of cytokinesis 6; minus strand). Cytogenetic location: 19p13.2.
Variant type: single nucleotide variant.
Coding change: c.844G>A on transcript NM_020812.4 (MANE Select); coding-DNA position 844, G replaced by A.
Protein change: p.Ala282Thr; replaces alanine 282 with threonine.
Molecular consequence: missense variant.
Genome position (GRCh38, 1-based): chr19:11,245,841, C>T on the plus strand (G>A on the coding strand, the complement: DOCK6 is on the minus strand). VCF-style: chr19-11245841-C-T. GRCh37 (hg19) VCF-style: chr19-11356517-C-T.
Other names: c.844G>A, p.Ala282Thr (NM_001367830.1); short protein forms A282T.
Identifiers: ClinVar variation 2105597 (VCV002105597.4), dbSNP rs867390514, ClinGen allele CA404112995.
Genomic context (GRCh38, chr19:11,245,841, plus strand): 5'-AGGGGAGGAAAGAGAAAAAAGGGCCTCCTACCTTCTTTTTCTCCCGCACATCATACAGAG[C>T]CAAGATCCCAAAGATGGGCTCAATTTCAATCTCGAACCTACAAGTAAATGGGAGGGAGGG-3'
Protein context (NP_065863.2, residues 272-292): IEIEPIFGIL[Ala282Thr]LYDVREKKKI